The following is an entry in ClinVar:

NM_000720.4(CACNA1D):c.1149G>A (p.Trp383Ter)

Gene: CACNA1D (calcium voltage-gated channel subunit alpha1 D; plus strand). Cytogenetic location: 3p21.1.
Variant type: single nucleotide variant.
Coding change: c.1149G>A on transcript NM_000720.4 (MANE Plus Clinical); coding-DNA position 1149, G replaced by A.
Protein change: p.Trp383Ter; replaces tryptophan 383 with a stop codon.
Molecular consequence: nonsense. On other transcripts: intron variant (2).
Genome position (GRCh38, 1-based): chr3:53,673,745, G>A. VCF-style: chr3-53673745-G-A. GRCh37 (hg19) VCF-style: chr3-53707772-G-A.
Other names: c.1220+619G>A (NM_001128840.3, NM_001128839.3); short protein forms W383*.
Identifiers: ClinVar variation 4726100 (VCV004726100.1).

ClinVar aggregate classification (germline): Uncertain significance (1 of 4 stars; one submission).

Submission:

Labcorp Genetics (formerly Invitae), Labcorp
Classification: Uncertain significance. Last evaluated: 2025-08-26. Review status: criteria provided, single submitter. Criteria: Invitae Variant Classification Sherloc (09022015). Collection method: clinical testing. Allele origin: germline.
Comment: This sequence change creates a premature translational stop signal (p.Trp383*) in the CACNA1D gene. It is expected to result in an absent or disrupted protein product. However, the current clinical and genetic evidence is not sufficient to establish whether loss-of-function variants in CACNA1D cause disease. This variant is not present in population databases (gnomAD no frequency). This variant has not been reported in the literature in individuals affected with CACNA1D-related conditions. In summary, the available evidence is currently insufficient to determine the role of this variant in disease. Therefore, it has been classified as a Variant of Uncertain Significance.